The following is an entry in ClinVar:

NM_000204.5(CFI):c.299T>C (p.Phe100Ser)

Gene: CFI (complement factor I; minus strand). Cytogenetic location: 4q25.
Variant type: single nucleotide variant.
Coding change: c.299T>C on transcript NM_000204.5 (MANE Select); coding-DNA position 299, T replaced by C.
Protein change: p.Phe100Ser; replaces phenylalanine 100 with serine.
Molecular consequence: missense variant. On other transcripts: non-coding transcript variant (3), intron variant (1).
Genome position (GRCh38, 1-based): chr4:109,766,583, A>G on the plus strand (T>C on the coding strand, the complement: CFI is on the minus strand). VCF-style: chr4-109766583-A-G. GRCh37 (hg19) VCF-style: chr4-110687739-A-G.
Other names: c.299T>C, p.Phe100Ser (NM_001318057.2, NM_001331035.2, NM_001375278.1 and 10 more transcripts); c.-127-4891T>C (NM_001375284.1); short protein forms F100S.
Identifiers: ClinVar variation 4976858 (VCV004976858.1).

ClinVar aggregate classification (germline): Uncertain significance (1 of 4 stars; one submission).

Conditions:
CFI-related disorder. Also called: CFI-related condition; CFI-related disorders. Identifiers: MedGen CN239325.

Submission:

Genomenon, Inc
Classification: Uncertain significance for CFI-related disorder. Last evaluated: 2026-09-17. Review status: criteria provided, single submitter. Criteria: Genomenon Sequence Variant Interpretation Standards - Updated. Collection method: curation. Allele origin: germline. Affected: no.
Comment: CFI p.Phe100Ser (c.299T>C) is a missense variant that changes the amino acid at codon 100 from Phenylalanine to Serine. This variant has been reported in the published literature (PMID:33036197). It is absent or not present at a significant frequency in gnomAD. In silico models predict that this variant is possibly or probably damaging. In conclusion, we classify CFI p.Phe100Ser (c.299T>C) as a variant of uncertain significance.

Literature cited by the submitters: PubMed 33036197.